The following is an entry in ClinVar:

NM_015978.3(TNNI3K):c.2329T>C (p.Ser777Pro)

Genes: FPGT-TNNI3K (FPGT-TNNI3K readthrough; plus strand), LRRC53 (leucine rich repeat containing 53; minus strand), TNNI3K (TNNI3 interacting kinase; plus strand). Cytogenetic location: 1p31.1.
Variant type: single nucleotide variant.
Coding change: c.2329T>C on transcript NM_015978.3 (MANE Select); coding-DNA position 2329, T replaced by C.
Protein change: p.Ser777Pro; replaces serine 777 with proline.
Molecular consequence: missense variant. On other transcripts: intron variant (2).
Genome position (GRCh38, 1-based): chr1:74,492,244, T>C. VCF-style: chr1-74492244-T-C. GRCh37 (hg19) VCF-style: chr1-74957928-T-C.
Other names: c.2632T>C, p.Ser878Pro (NM_001112808.3); c.-8-11276A>G (NM_001364666.2); c.-26-8869A>G (NM_001382280.1); short protein forms S878P, S777P.
Identifiers: ClinVar variation 3717653 (VCV003717653.2).

ClinVar aggregate classification (germline): Uncertain significance (1 of 4 stars; one submission).

gnomAD v4.1: 1 of 1,601,528 alleles (0.000062%); highest among the groups gnomAD compares: Non-Finnish European, 0.000085%; no homozygotes.

Submission:

Labcorp Genetics (formerly Invitae), Labcorp
Classification: Uncertain significance. Last evaluated: 2024-09-17. Review status: criteria provided, single submitter. Criteria: Invitae Variant Classification Sherloc (09022015). Collection method: clinical testing. Allele origin: germline.
Comment: This sequence change replaces serine, which is neutral and polar, with proline, which is neutral and non-polar, at codon 777 of the TNNI3K protein (p.Ser777Pro). This variant is not present in population databases (gnomAD no frequency). This variant has not been reported in the literature in individuals affected with TNNI3K-related conditions. An algorithm developed to predict the effect of missense changes on protein structure and function (PolyPhen-2) suggests that this variant is likely to be tolerated. In summary, the available evidence is currently insufficient to determine the role of this variant in disease. Therefore, it has been classified as a Variant of Uncertain Significance.